The following is an entry in ClinVar:

ClinVar aggregate classification (germline): Uncertain significance (0 of 4 stars; one submission).

Conditions:
ALMS1-related disorder. Also called: ALMS1-related condition.

Submission:

PreventionGenetics, part of Exact Sciences
Classification: Uncertain significance for ALMS1-related condition. Last evaluated: 2024-01-25. Review status: no assertion criteria provided. Collection method: clinical testing. Allele origin: germline.
Comment: The ALMS1 c.103G>C variant is predicted to result in the amino acid substitution p.Ala35Pro. To our knowledge, this variant has not been reported in the literature. This variant is reported in 0.0063% of alleles in individuals of African descent in gnomAD. At this time, the clinical significance of this variant is uncertain due to the absence of conclusive functional and genetic evidence.

NM_001378454.1(ALMS1):c.100G>C (p.Ala34Pro)

Gene: ALMS1 (ALMS1 centrosome and basal body associated protein; plus strand). Cytogenetic location: 2p13.1.
Variant type: single nucleotide variant.
Coding change: c.100G>C on transcript NM_001378454.1 (MANE Select); coding-DNA position 100, G replaced by C.
Protein change: p.Ala34Pro; replaces alanine 34 with proline.
Molecular consequence: missense variant.
Genome position (GRCh38, 1-based): chr2:73,385,968, G>C. VCF-style: chr2-73385968-G-C. GRCh37 (hg19) VCF-style: chr2-73613096-G-C.
Other names: c.103G>C, p.Ala35Pro (NM_015120.4); short protein forms A34P, A35P.
Identifiers: ClinVar variation 3354333 (VCV003354333.1).